The following is an entry in ClinVar:

ClinVar aggregate classification (germline): Uncertain significance. Review status: criteria provided, multiple submitters, no conflicts (2 of 4 stars). 2 submissions from 2 submitters: Uncertain significance (2). Last evaluated 2025-11-27.

Conditions:
Hereditary diffuse gastric adenocarcinoma (HDGC). Also called: DIFFUSE GASTRIC AND LOBULAR BREAST CANCER SYNDROME. Identifiers: Orphanet 26106, MedGen C1708349, MONDO:0007648, OMIM 137215.
Hereditary cancer-predisposing syndrome. Also called: Neoplastic Syndromes, Hereditary; Tumor predisposition; Hereditary neoplastic syndrome; Hereditary Cancer Syndrome. Identifiers: Orphanet 140162, MedGen C0027672, MeSH D009386, MONDO:0015356.

Submissions (2):

Ambry Genetics
Classification: Uncertain significance for Hereditary cancer-predisposing syndrome. Last evaluated: 2025-11-27. Review status: criteria provided, single submitter. Criteria: Ambry Variant Classification Scheme 2023. Collection method: clinical testing. Allele origin: germline.
Comment: The p.P597L variant (also known as c.1790C>T), located in coding exon 12 of the CDH1 gene, results from a C to T substitution at nucleotide position 1790. The proline at codon 597 is replaced by leucine, an amino acid with similar properties. This amino acid position is conserved. In addition, the in silico prediction for this alteration is inconclusive. Based on the available evidence, the clinical significance of this variant remains unclear.

Labcorp Genetics (formerly Invitae), Labcorp
Classification: Uncertain significance for Hereditary diffuse gastric adenocarcinoma. Last evaluated: 2020-11-15. Review status: criteria provided, single submitter. Criteria: Invitae Variant Classification Sherloc (09022015). Collection method: clinical testing. Allele origin: germline.
Comment: This sequence change replaces proline with leucine at codon 597 of the CDH1 protein (p.Pro597Leu). The proline residue is moderately conserved and there is a moderate physicochemical difference between proline and leucine. This variant is not present in population databases (ExAC no frequency). This variant has not been reported in the literature in individuals with CDH1-related conditions. Algorithms developed to predict the effect of missense changes on protein structure and function are either unavailable or do not agree on the potential impact of this missense change (SIFT: "Deleterious"; PolyPhen-2: "Possibly Damaging"; Align-GVGD: "Class C0"). In summary, the available evidence is currently insufficient to determine the role of this variant in disease. Therefore, it has been classified as a Variant of Uncertain Significance.

NM_004360.5(CDH1):c.1790C>T (p.Pro597Leu)

Gene: CDH1 (cadherin 1; plus strand). Cytogenetic location: 16q22.1.
Variant type: single nucleotide variant.
Coding change: c.1790C>T on transcript NM_004360.5 (MANE Select); coding-DNA position 1790, C replaced by T.
Protein change: p.Pro597Leu; replaces proline 597 with leucine.
Molecular consequence: missense variant. On other transcripts: 5 prime UTR variant (1).
Genome position (GRCh38, 1-based): chr16:68,822,079, C>T. VCF-style: chr16-68822079-C-T. GRCh37 (hg19) VCF-style: chr16-68855982-C-T.
Other names: c.1790C>T (NM_004360.3); c.1607C>T, p.Pro536Leu (NM_001317184.2); c.242C>T, p.Pro81Leu (NM_001317185.2); c.-176C>T (NM_001317186.2); short protein forms P536L, P597L, P81L.
Identifiers: ClinVar variation 1483636 (VCV001483636.10), dbSNP rs1961161092, ClinGen allele CA396466668.